The following is an entry in ClinVar:

NM_004333.6(BRAF):c.980+601T>C

Gene: BRAF (B-Raf proto-oncogene, serine/threonine kinase; minus strand). Cytogenetic location: 7q34.
Variant type: single nucleotide variant.
Coding change: c.980+601T>C on transcript NM_004333.6 (MANE Select); 601 bases into the intron after coding-DNA position 980, T replaced by C.
Molecular consequence: intron variant.
Genome position (GRCh38, 1-based): chr7:140,799,761, A>G on the plus strand (T>C on the coding strand, the complement: BRAF is on the minus strand). VCF-style: chr7-140799761-A-G. GRCh37 (hg19) VCF-style: chr7-140499561-A-G.
Other names: c.980+601T>C (NM_001378474.1, NM_001378471.1, NM_001378468.1 and 4 more transcripts); c.878+601T>C (NM_001378470.1); c.716+601T>C (NM_001378475.1); c.989+601T>C (NM_001378467.1); c.824+601T>C (NM_001378472.1, NM_001378473.1).
Identifiers: ClinVar variation 2658092 (VCV002658092.24), dbSNP rs565193401, ClinGen allele CA168105691.
Genomic context (GRCh38, chr7:140,799,761, plus strand): 5'-TCACTATTCTTCCTTCTGTAAACATGAATACATTTATGTCCTCATCACATACTTCAATAT[A>G]CTCCATCATAAATTGTAGATTATAATTATATACTATTTTTACATTGTTTGCCATTGTCTC-3'

ClinVar aggregate classification (germline): Likely benign (1 of 4 stars; one submission).

Allele frequency attached by ClinVar (database versions not stated): 1000 Genomes Project 30x 0.00031; TOPMed 0.00088; 1000 Genomes Project 0.00040; gnomAD 0.00072; gnomAD exomes 0.00112.
gnomAD v4.1: 209 of 236,736 alleles (0.088%); highest among the groups gnomAD compares: Middle Eastern, 0.9%; no homozygotes.

Submission:

CeGaT Center for Human Genetics Tuebingen
Classification: Likely benign. Last evaluated: 2024-07-01. Review status: criteria provided, single submitter. Criteria: CeGaT Center For Human Genetics Tuebingen Variant Classification Criteria Version 2. Collection method: clinical testing. Allele origin: germline. Affected: yes. Observed: 10 variant alleles.
Comment: BRAF: BS1